The following is an entry in ClinVar:

NM_000465.4(BARD1):c.1417C>T (p.His473Tyr)

Gene: BARD1 (BRCA1 associated RING domain 1; minus strand). Cytogenetic location: 2q35.
Variant type: single nucleotide variant.
Coding change: c.1417C>T on transcript NM_000465.4 (MANE Select); coding-DNA position 1417, C replaced by T.
Protein change: p.His473Tyr; replaces histidine 473 with tyrosine.
Molecular consequence: missense variant. On other transcripts: non-coding transcript variant (3), intron variant (3).
Genome position (GRCh38, 1-based): chr2:214,767,633, G>A on the plus strand (C>T on the coding strand, the complement: BARD1 is on the minus strand). VCF-style: chr2-214767633-G-A. GRCh37 (hg19) VCF-style: chr2-215632357-G-A.
Other names: c.1360C>T, p.His454Tyr (NM_001282543.2); c.159-15078C>T (NM_001282548.2); c.216-15078C>T (NM_001282545.2); c.364+24664C>T (NM_001282549.2); short protein forms H454Y, H473Y.
Identifiers: ClinVar variation 4621609 (VCV004621609.1).

ClinVar aggregate classification (germline): Uncertain significance (1 of 4 stars; one submission).

Conditions:
Hereditary cancer-predisposing syndrome. Also called: Neoplastic Syndromes, Hereditary; Tumor predisposition; Hereditary Cancer Syndrome; Hereditary neoplastic syndrome. Identifiers: Orphanet 140162, MedGen C0027672, MeSH D009386, MONDO:0015356.

Submission:

Ambry Genetics
Classification: Uncertain significance for Hereditary cancer-predisposing syndrome. Last evaluated: 2025-10-07. Review status: criteria provided, single submitter. Criteria: Ambry Variant Classification Scheme 2023. Collection method: clinical testing. Allele origin: germline.
Comment: The p.H473Y variant (also known as c.1417C>T), located in coding exon 6 of the BARD1 gene, results from a C to T substitution at nucleotide position 1417. The histidine at codon 473 is replaced by tyrosine, an amino acid with similar properties. This amino acid position is conserved. In addition, this alteration is predicted to be deleterious by in silico analysis. Based on the available evidence, the clinical significance of this variant remains unclear.